The following is an entry in ClinVar:

NM_004656.4(BAP1):c.12C>T (p.Gly4=)

Gene: BAP1 (BRCA1 associated deubiquitinase 1; minus strand). Cytogenetic location: 3p21.1.
Variant type: single nucleotide variant.
Coding change: c.12C>T on transcript NM_004656.4 (MANE Select); coding-DNA position 12, C replaced by T.
Protein change: p.Gly4=; no amino-acid change (glycine 4 retained).
Molecular consequence: synonymous variant.
Genome position (GRCh38, 1-based): chr3:52,409,867, G>A on the plus strand (C>T on the coding strand, the complement: BAP1 is on the minus strand). VCF-style: chr3-52409867-G-A. GRCh37 (hg19) VCF-style: chr3-52443883-G-A.
Identifiers: ClinVar variation 412447 (VCV000412447.13), dbSNP rs1060503747, ClinGen allele CA16611456.

ClinVar aggregate classification (germline): Benign/Likely benign. Review status: criteria provided, multiple submitters, no conflicts (2 of 4 stars). 4 submissions from 4 submitters: Benign (1); Likely benign (3). Last evaluated 2024-07-11.

Conditions:
BAP1-related tumor predisposition syndrome (TPDS1). Also called: BAP1 tumor predisposition syndrome; Tumor susceptibility linked to germline BAP1 mutations; TUMOR PREDISPOSITION SYNDROME 1; COMMON Syndrome. Identifiers: Orphanet 289539, MedGen C3280492, MONDO:0013692, OMIM 614327.
Hereditary cancer-predisposing syndrome. Also called: Neoplastic Syndromes, Hereditary; Tumor predisposition; Hereditary Cancer Syndrome; Hereditary neoplastic syndrome. Identifiers: Orphanet 140162, MedGen C0027672, MeSH D009386, MONDO:0015356.

Submissions (4):

Myriad Genetics, Inc.
Classification: Benign for BAP1-related tumor predisposition syndrome. Last evaluated: 2024-07-11. Review status: criteria provided, single submitter. Criteria: Myriad Autosomal Dominant, Autosomal Recessive and X-Linked Classification Criteria (2023). Collection method: clinical testing. Allele origin: unknown.
Comment: This variant is considered benign. This variant is a silent/synonymous amino acid change and it is not expected to impact splicing.

Labcorp Genetics (formerly Invitae), Labcorp
Classification: Likely benign for BAP1-related tumor predisposition syndrome. Last evaluated: 2024-02-19. Review status: criteria provided, single submitter. Criteria: Invitae Variant Classification Sherloc (09022015). Collection method: clinical testing. Allele origin: germline.

Ambry Genetics
Classification: Likely benign for Hereditary cancer-predisposing syndrome. Last evaluated: 2020-12-01. Review status: criteria provided, single submitter. Criteria: Ambry Variant Classification Scheme 2023. Collection method: clinical testing. Allele origin: germline.

Color Diagnostics, LLC DBA Color Health
Classification: Likely benign for Hereditary cancer-predisposing syndrome. Last evaluated: 2020-03-02. Review status: criteria provided, single submitter. Criteria: ACMG Guidelines, 2015. Collection method: clinical testing. Allele origin: germline.